The following is an entry in ClinVar:

NM_144997.7(FLCN):c.1177-22T>C

Gene: FLCN (folliculin; minus strand). Cytogenetic location: 17p11.2.
Variant type: single nucleotide variant.
Coding change: c.1177-22T>C on transcript NM_144997.7 (MANE Select); 22 bases into the intron before coding-DNA position 1177, T replaced by C.
Molecular consequence: intron variant.
Genome position (GRCh38, 1-based): chr17:17,216,525, A>G on the plus strand (T>C on the coding strand, the complement: FLCN is on the minus strand). VCF-style: chr17-17216525-A-G. GRCh37 (hg19) VCF-style: chr17-17119839-A-G.
Other names: c.1177-22T>C (NM_001353231.2, NM_001353230.2); c.1231-22T>C (NM_001353229.2).
Identifiers: ClinVar variation 3357935 (VCV003357935.1).
Genomic context (GRCh38, chr17:17,216,525, plus strand): 5'-GTATGGGATGATGCGGACGCAGCCCACGGGAAGCATGGTCTGAGGAGGACAGCAGGACTC[A>G]GACCAAGGACACGAGGAAGCCCTCAGCCCCGGCCATCCATGCTCTACTACCCAAACCCCA-3'

ClinVar aggregate classification (germline): Likely benign (0 of 4 stars; one submission).

Conditions:
FLCN-related disorder. Also called: FLCN-related condition.

gnomAD v4.1: 1 of 1,613,384 alleles (0.000062%); highest among the groups gnomAD compares: African/African-American, 0.0013%; no homozygotes.

Submission:

PreventionGenetics, part of Exact Sciences
Classification: Likely benign for FLCN-related condition. Last evaluated: 2024-06-12. Review status: no assertion criteria provided. Collection method: clinical testing. Allele origin: germline.
Comment: This variant is classified as likely benign based on ACMG/AMP sequence variant interpretation guidelines (Richards et al. 2015 PMID: 25741868, with internal and published modifications).